The following is an entry in ClinVar:

ClinVar aggregate classification (germline): Uncertain significance. Review status: criteria provided, multiple submitters, no conflicts (2 of 4 stars). 3 submissions from 3 submitters: Uncertain significance (3). Last evaluated 2025-11-04.

Conditions:
DICER1-related tumor predisposition. Also called: DICER1 syndrome; DICER1-related pleuropulmonary blastoma cancer predisposition syndrome. Identifiers: Orphanet 284343, MedGen C3839822, MONDO:0100216.
Hereditary cancer-predisposing syndrome. Also called: Neoplastic Syndromes, Hereditary; Hereditary neoplastic syndrome; Hereditary Cancer Syndrome; Tumor predisposition. Identifiers: Orphanet 140162, MedGen C0027672, MeSH D009386, MONDO:0015356.

Allele frequency attached by ClinVar (database versions not stated): gnomAD exomes below 0.00001; ExAC 0.00001.
gnomAD v4.1: 4 of 1,614,004 alleles (0.00025%); highest among the groups gnomAD compares: South Asian, 0.0022%; no homozygotes.

Submissions (3):

Labcorp Genetics (formerly Invitae), Labcorp
Classification: Uncertain significance for DICER1-related tumor predisposition. Last evaluated: 2025-11-04. Review status: criteria provided, single submitter. Criteria: Invitae Variant Classification Sherloc (09022015). Collection method: clinical testing. Allele origin: germline.
Comment: This sequence change replaces cysteine, which is neutral and slightly polar, with tyrosine, which is neutral and polar, at codon 686 of the DICER1 protein (p.Cys686Tyr). This variant is present in population databases (rs769510378, gnomAD 0.0009%). This variant has not been reported in the literature in individuals affected with DICER1-related conditions. ClinVar contains an entry for this variant (Variation ID: 659428). Invitae Evidence Modeling of protein sequence and biophysical properties (such as structural, functional, and spatial information, amino acid conservation, physicochemical variation, residue mobility, and thermodynamic stability) indicates that this missense variant is not expected to disrupt DICER1 protein function with a negative predictive value of 95%. In summary, the available evidence is currently insufficient to determine the role of this variant in disease. Therefore, it has been classified as a Variant of Uncertain Significance.

Center for Genomic Medicine, Rigshospitalet, Copenhagen University Hospital
Classification: Uncertain significance. Last evaluated: 2025-03-04. Review status: criteria provided, single submitter. Criteria: ACMG Guidelines, 2015. Collection method: clinical testing. Allele origin: germline.

Ambry Genetics
Classification: Uncertain significance for Hereditary cancer-predisposing syndrome. Last evaluated: 2024-04-09. Review status: criteria provided, single submitter. Criteria: Ambry Variant Classification Scheme 2023. Collection method: clinical testing. Allele origin: germline.
Comment: The p.C686Y variant (also known as c.2057G>A), located in coding exon 12 of the DICER1 gene, results from a G to A substitution at nucleotide position 2057. The cysteine at codon 686 is replaced by tyrosine, an amino acid with highly dissimilar properties. This amino acid position is well conserved in available vertebrate species. In addition, the in silico prediction for this alteration is inconclusive. Since supporting evidence is limited at this time, the clinical significance of this alteration remains unclear.

NM_177438.3(DICER1):c.2057G>A (p.Cys686Tyr)

Gene: DICER1 (dicer 1, ribonuclease III; minus strand). Cytogenetic location: 14q32.13.
Variant type: single nucleotide variant.
Coding change: c.2057G>A on transcript NM_177438.3 (MANE Select); coding-DNA position 2057, G replaced by A.
Protein change: p.Cys686Tyr; replaces cysteine 686 with tyrosine.
Molecular consequence: missense variant.
Genome position (GRCh38, 1-based): chr14:95,112,231, C>T on the plus strand (G>A on the coding strand, the complement: DICER1 is on the minus strand). VCF-style: chr14-95112231-C-T. GRCh37 (hg19) VCF-style: chr14-95578568-C-T.
Other names: c.2057G>A, p.Cys686Tyr (NM_001195573.1, NM_001271282.3, NM_001291628.2 and 1 more transcripts); short protein forms C686Y.
Identifiers: ClinVar variation 659428 (VCV000659428.17), dbSNP rs769510378, ClinGen allele CA7331325.